The following is an entry in ClinVar:

ClinVar aggregate classification (germline): Uncertain significance (1 of 4 stars; one submission).

Submission:

Labcorp Genetics (formerly Invitae), Labcorp
Classification: Uncertain significance. Last evaluated: 2025-04-09. Review status: criteria provided, single submitter. Criteria: Invitae Variant Classification Sherloc (09022015). Collection method: clinical testing. Allele origin: germline.
Comment: This sequence change replaces glycine, which is neutral and non-polar, with alanine, which is neutral and non-polar, at codon 872 of the SETD5 protein (p.Gly872Ala). This variant is not present in population databases (gnomAD no frequency). This variant has not been reported in the literature in individuals affected with SETD5-related conditions. Invitae Evidence Modeling of protein sequence and biophysical properties (such as structural, functional, and spatial information, amino acid conservation, physicochemical variation, residue mobility, and thermodynamic stability) indicates that this missense variant is not expected to disrupt SETD5 protein function with a negative predictive value of 80%. In summary, the available evidence is currently insufficient to determine the role of this variant in disease. Therefore, it has been classified as a Variant of Uncertain Significance.

NM_001080517.3(SETD5):c.2615G>C (p.Gly872Ala)

Gene: SETD5 (SET domain containing 5; plus strand). Cytogenetic location: 3p25.3.
Variant type: single nucleotide variant.
Coding change: c.2615G>C on transcript NM_001080517.3 (MANE Select); coding-DNA position 2615, G replaced by C.
Protein change: p.Gly872Ala; replaces glycine 872 with alanine.
Molecular consequence: missense variant.
Genome position (GRCh38, 1-based): chr3:9,464,563, G>C. VCF-style: chr3-9464563-G-C. GRCh37 (hg19) VCF-style: chr3-9506247-G-C.
Other names: c.2321G>C, p.Gly774Ala (NM_001292043.2, NM_001349451.2); c.2711G>C, p.Gly904Ala (NM_001437633.1); c.2672G>C, p.Gly891Ala (NM_001437635.1); c.2615G>C, p.Gly872Ala (NM_001437643.1); c.2654G>C, p.Gly885Ala (NM_001437701.1); short protein forms G885A, G891A, G904A, G872A, G774A.
Identifiers: ClinVar variation 4776033 (VCV004776033.1).